The following is an entry in ClinVar:

NM_033419.5(PGAP3):c.124T>G (p.Ser42Ala)

Gene: PGAP3 (post-GPI attachment to proteins phospholipase 3; minus strand). Cytogenetic location: 17q12.
Variant type: single nucleotide variant.
Coding change: c.124T>G on transcript NM_033419.5 (MANE Select); coding-DNA position 124, T replaced by G.
Protein change: p.Ser42Ala; replaces serine 42 with alanine.
Molecular consequence: missense variant.
Genome position (GRCh38, 1-based): chr17:39,687,891, A>C on the plus strand (T>G on the coding strand, the complement: PGAP3 is on the minus strand). VCF-style: chr17-39687891-A-C. GRCh37 (hg19) VCF-style: chr17-37844144-A-C.
Other names: c.124T>G, p.Ser42Ala (NM_001291726.2, NM_001291728.2, NM_001291730.2 and 2 more transcripts); short protein forms S42A.
Identifiers: ClinVar variation 1722960 (VCV001722960.3), dbSNP rs150801318, ClinGen allele CA8533478.

ClinVar aggregate classification (germline): Uncertain significance. Review status: criteria provided, multiple submitters, no conflicts (2 of 4 stars). 2 submissions from 2 submitters: Uncertain significance (2). Last evaluated 2022-11-07.

Allele frequency attached by ClinVar (database versions not stated): ESP Exome Variant Server 0.00046; gnomAD 0.00054; TOPMed 0.00071; ExAC 0.00102.

Submissions (2):

GeneDx
Classification: Uncertain significance. Last evaluated: 2022-11-07. Review status: criteria provided, single submitter. Criteria: GeneDx Variant Classification Process June 2021. Collection method: clinical testing. Allele origin: germline. Affected: yes.
Comment: In silico analysis supports that this missense variant does not alter protein structure/function; Has not been previously published as pathogenic or benign to our knowledge

Labcorp Genetics (formerly Invitae), Labcorp
Classification: Uncertain significance. Last evaluated: 2022-10-14. Review status: criteria provided, single submitter. Criteria: Invitae Variant Classification Sherloc (09022015). Collection method: clinical testing. Allele origin: germline.
Comment: This sequence change replaces serine, which is neutral and polar, with alanine, which is neutral and non-polar, at codon 42 of the PGAP3 protein (p.Ser42Ala). This variant is present in population databases (rs150801318, gnomAD 0.2%). This variant has not been reported in the literature in individuals affected with PGAP3-related conditions. Algorithms developed to predict the effect of missense changes on protein structure and function (SIFT, PolyPhen-2, Align-GVGD) all suggest that this variant is likely to be tolerated. In summary, the available evidence is currently insufficient to determine the role of this variant in disease. Therefore, it has been classified as a Variant of Uncertain Significance.